The following is an entry in ClinVar:

ClinVar aggregate classification (germline): Uncertain significance. Review status: criteria provided, multiple submitters, no conflicts (2 of 4 stars). 3 submissions from 3 submitters: Uncertain significance (3). Last evaluated 2025-12-23.

Conditions:
Hereditary cancer-predisposing syndrome. Also called: Neoplastic Syndromes, Hereditary; Hereditary Cancer Syndrome; Hereditary neoplastic syndrome; Tumor predisposition. Identifiers: Orphanet 140162, MedGen C0027672, MeSH D009386, MONDO:0015356.
Neuroblastoma, susceptibility to, 3. Also called: ALK-Related Neuroblastic Tumor Susceptibility. Identifiers: Orphanet 635, MedGen C2751681, MONDO:0013083, OMIM 613014.

gnomAD v4.1: 2 of 1,613,322 alleles (0.00012%); highest among the groups gnomAD compares: Non-Finnish European, 0.00017%; no homozygotes.

Submissions (3):

Ambry Genetics
Classification: Uncertain significance for Hereditary cancer-predisposing syndrome. Last evaluated: 2025-12-23. Review status: criteria provided, single submitter. Criteria: Ambry Variant Classification Scheme 2023. Collection method: clinical testing. Allele origin: germline.
Comment: The p.G156W variant (also known as c.466G>T), located in coding exon 1 of the ALK gene, results from a G to T substitution at nucleotide position 466. The glycine at codon 156 is replaced by tryptophan, an amino acid with highly dissimilar properties. This amino acid position is well conserved in available vertebrate species. In addition, the in silico prediction for this alteration is inconclusive. Based on the available evidence, the clinical significance of this variant remains unclear.

Labcorp Genetics (formerly Invitae), Labcorp
Classification: Uncertain significance for Neuroblastoma, susceptibility to, 3. Last evaluated: 2025-09-24. Review status: criteria provided, single submitter. Criteria: Invitae Variant Classification Sherloc (09022015). Collection method: clinical testing. Allele origin: germline.
Comment: This sequence change replaces glycine, which is neutral and non-polar, with tryptophan, which is neutral and slightly polar, at codon 156 of the ALK protein (p.Gly156Trp). This variant is present in population databases (rs761318889, gnomAD 0.002%). This variant has not been reported in the literature in individuals affected with ALK-related conditions. ClinVar contains an entry for this variant (Variation ID: 3619359). An algorithm developed to predict the effect of missense changes on protein structure and function (PolyPhen-2) suggests that this variant is likely to be tolerated. In summary, the available evidence is currently insufficient to determine the role of this variant in disease. Therefore, it has been classified as a Variant of Uncertain Significance.

GeneDx
Classification: Uncertain significance. Last evaluated: 2025-02-05. Review status: criteria provided, single submitter. Criteria: GeneDx Variant Classification Process June 2021. Collection method: clinical testing. Allele origin: germline. Affected: yes.
Comment: Not observed at significant frequency in large population cohorts (gnomAD); In silico analysis indicates that this missense variant does not alter protein structure/function; Has not been previously published as pathogenic or benign to our knowledge; This variant is associated with the following publications: (PMID: 26536348)

NM_004304.5(ALK):c.466G>T (p.Gly156Trp)

Gene: ALK (ALK receptor tyrosine kinase; minus strand). Cytogenetic location: 2p23.1.
Variant type: single nucleotide variant.
Coding change: c.466G>T on transcript NM_004304.5 (MANE Select); coding-DNA position 466, G replaced by T.
Protein change: p.Gly156Trp; replaces glycine 156 with tryptophan.
Molecular consequence: missense variant.
Genome position (GRCh38, 1-based): chr2:29,920,194, C>A on the plus strand (G>T on the coding strand, the complement: ALK is on the minus strand). VCF-style: chr2-29920194-C-A. GRCh37 (hg19) VCF-style: chr2-30143060-C-A.
Other names: c.466G>T (NM_004304.4); short protein forms G156W.
Identifiers: ClinVar variation 3619359 (VCV003619359.4).
Genomic context (GRCh38, chr2:29,920,194, plus strand): 5'-AACTGAACAGCTCGCTGAGATTGAACTGGAGCAGCCCCACAGCCGCCTCCCCGGGGGGCC[C>A]GACGCAACCCTCCAAGATCGCCTCCTCGCCCAGCTCCAGCACCAACTGCTTGGCACGCCG-3'
Protein context (NP_004295.2, residues 146-166): GEEAILEGCV[Gly156Trp]PPGEAAVGLL